The following is an entry in ClinVar:

ClinVar aggregate classification (germline): Uncertain significance. Review status: criteria provided, multiple submitters, no conflicts (2 of 4 stars). 3 submissions from 3 submitters: Uncertain significance (3). Last evaluated 2025-06-10.

Conditions:
Alstrom syndrome (ALMS). Identifiers: Orphanet 64, MedGen C0268425, MONDO:0008763, OMIM 203800.

Allele frequency attached by ClinVar (database versions not stated): TOPMed 0.00003; ExAC 0.00004.
gnomAD v4.1: 18 of 1,613,912 alleles (0.0011%); highest among the groups gnomAD compares: Admixed American, 0.03%; no homozygotes.

Submissions (3):

GeneDx
Classification: Uncertain significance. Last evaluated: 2025-06-10. Review status: criteria provided, single submitter. Criteria: GeneDx Variant Classification Process June 2021. Collection method: clinical testing. Allele origin: germline.
Comment: In silico analysis supports that this missense variant has a deleterious effect on protein structure/function; Has not been previously published as pathogenic or benign to our knowledge

Labcorp Genetics (formerly Invitae), Labcorp
Classification: Uncertain significance for Alstrom syndrome. Last evaluated: 2024-10-16. Review status: criteria provided, single submitter. Criteria: Invitae Variant Classification Sherloc (09022015). Collection method: clinical testing. Allele origin: germline.
Comment: This sequence change replaces aspartic acid, which is acidic and polar, with valine, which is neutral and non-polar, at codon 3307 of the ALMS1 protein (p.Asp3307Val). This variant is present in population databases (rs746138259, gnomAD 0.05%). This variant has not been reported in the literature in individuals affected with ALMS1-related conditions. ClinVar contains an entry for this variant (Variation ID: 2418892). Experimental studies and prediction algorithms are not available or were not evaluated, and the functional significance of this variant is currently unknown. In summary, the available evidence is currently insufficient to determine the role of this variant in disease. Therefore, it has been classified as a Variant of Uncertain Significance.

Blueprint Genetics
Classification: Uncertain significance. Last evaluated: 2021-09-21. Review status: criteria provided, single submitter. Criteria: ACMG Guidelines, 2015. Collection method: clinical testing. Allele origin: germline.

NM_001378454.1(ALMS1):c.9917A>T (p.Asp3306Val)

Gene: ALMS1 (ALMS1 centrosome and basal body associated protein; plus strand). Cytogenetic location: 2p13.1.
Variant type: single nucleotide variant.
Coding change: c.9917A>T on transcript NM_001378454.1 (MANE Select); coding-DNA position 9917, A replaced by T.
Protein change: p.Asp3306Val; replaces aspartic acid 3306 with valine.
Molecular consequence: missense variant.
Genome position (GRCh38, 1-based): chr2:73,550,276, A>T. VCF-style: chr2-73550276-A-T. GRCh37 (hg19) VCF-style: chr2-73777403-A-T.
Other names: c.9920A>T, p.Asp3307Val (NM_015120.4); short protein forms D3306V, D3307V.
Identifiers: ClinVar variation 2418892 (VCV002418892.7), dbSNP rs746138259, ClinGen allele CA1714832.